The following is an entry in ClinVar:

NM_000263.4(NAGLU):c.2201A>G (p.Tyr734Cys)

Gene: NAGLU (N-acetyl-alpha-glucosaminidase; plus strand). Cytogenetic location: 17q21.2.
Variant type: single nucleotide variant.
Coding change: c.2201A>G on transcript NM_000263.4 (MANE Select); coding-DNA position 2201, A replaced by G.
Protein change: p.Tyr734Cys; replaces tyrosine 734 with cysteine.
Molecular consequence: missense variant.
Genome position (GRCh38, 1-based): chr17:42,544,207, A>G. VCF-style: chr17-42544207-A-G. GRCh37 (hg19) VCF-style: chr17-40696225-A-G.
Other names: short protein forms Y734C.
Identifiers: ClinVar variation 1438078 (VCV001438078.8), dbSNP rs2143116999, ClinGen allele CA399606437.

ClinVar aggregate classification (germline): Uncertain significance (1 of 4 stars; one submission).

Conditions:
Mucopolysaccharidosis, MPS-III-B (MPS3B). Also called: N-ACETYL-ALPHA-D-GLUCOSAMINIDASE DEFICIENCY; NAGLU DEFICIENCY; SANFILIPPO SYNDROME B; MPS III B; MPS IIIB (Sanfilippo Syndrome Type B); MUCOPOLYSACCHARIDOSIS, TYPE IIIB. Identifiers: Orphanet 79270, MedGen C0086648, MONDO:0009656, OMIM 252920.
Charcot-Marie-Tooth disease axonal type 2V. Also called: CHARCOT-MARIE-TOOTH NEUROPATHY, TYPE 2V; CHARCOT-MARIE-TOOTH DISEASE, AXONAL, AUTOSOMAL DOMINANT, TYPE 2V. Identifiers: Orphanet 447964, MedGen C5569050, MONDO:0014665, OMIM 616491.

Submission:

Labcorp Genetics (formerly Invitae), Labcorp
Classification: Uncertain significance for Charcot-Marie-Tooth disease axonal type 2V; Mucopolysaccharidosis, MPS-III-B. Last evaluated: 2023-08-04. Review status: criteria provided, single submitter. Criteria: Invitae Variant Classification Sherloc (09022015). Collection method: clinical testing. Allele origin: germline.
Comment: In summary, the available evidence is currently insufficient to determine the role of this variant in disease. Therefore, it has been classified as a Variant of Uncertain Significance. Advanced modeling of protein sequence and biophysical properties (such as structural, functional, and spatial information, amino acid conservation, physicochemical variation, residue mobility, and thermodynamic stability) performed at Invitae indicates that this missense variant is expected to disrupt NAGLU protein function. ClinVar contains an entry for this variant (Variation ID: 1438078). This variant has not been reported in the literature in individuals affected with NAGLU-related conditions. This variant is not present in population databases (gnomAD no frequency). This sequence change replaces tyrosine, which is neutral and polar, with cysteine, which is neutral and slightly polar, at codon 734 of the NAGLU protein (p.Tyr734Cys).